The following is an entry in ClinVar:

ClinVar aggregate classification (germline): Uncertain significance (1 of 4 stars; one submission).

Submission:

Labcorp Genetics (formerly Invitae), Labcorp
Classification: Uncertain significance. Last evaluated: 2022-06-08. Review status: criteria provided, single submitter. Criteria: Invitae Variant Classification Sherloc (09022015). Collection method: clinical testing. Allele origin: germline.
Comment: This variant has not been reported in the literature in individuals affected with DDX3X-related conditions. This variant results in a copy number gain of the genomic region encompassing exon(s) 1-3 of the DDX3X gene. This region includes the initiator codon of the gene. This copy number gain extends beyond the assayed region for this gene and therefore may encompass additional genes. As the precise location of this event is unknown, it may be in tandem or it may be located elsewhere in the genome. In summary, the available evidence is currently insufficient to determine the role of this variant in disease. Therefore, it has been classified as a Variant of Uncertain Significance.

NC_000023.10:g.(?_41193506)_(41198356_?)dup

Gene: DDX3X (DEAD-box helicase 3 X-linked; plus strand). Cytogenetic location: Xp11.4.
Variant type: Duplication.
Identifiers: ClinVar variation 2423952 (VCV002423952.3).